The following is an entry in ClinVar:

NM_001205254.2(OCLN):c.351CTATGG[2] (p.118YG[5])

Gene: OCLN (occludin; plus strand). Cytogenetic location: 5q13.2.
Variant type: Microsatellite.
Coding change: c.351CTATGG[2] on transcript NM_001205254.2 (MANE Select); two copies in a row of the 6-base unit CTATGG starting at c.351; the reference has three copies in a row; one copy, 6 bases deleted.
Protein change: p.118YG[5].
Molecular consequence: inframe deletion. On other transcripts: intron variant (1).
Genome position (GRCh38, 1-based): chr5:69,509,453-69,509,458, CTATGG deleted; deleting any 6 consecutive bases within chr5:69,509,438-69,509,458 gives the same sequence; the position shown is the placement nearest the transcript's 3' end. VCF-style (leftmost placement, unchanged base first): chr5-69509437-GTGGCTA-G. GRCh37 (hg19) VCF-style: chr5-68805264-GTGGCTA-G.
Other names: c.351CTATGG[2], p.118YG[5] (NM_001410743.1, NM_001438048.1, NM_001438604.1 and 1 more transcripts); c.-24-4510TGGCTA[2] (NM_001205255.2).
Identifiers: ClinVar variation 504127 (VCV000504127.2), dbSNP rs755910661, ClinGen allele CA3294425.

ClinVar aggregate classification (germline): Uncertain significance (1 of 4 stars; one submission).

Submission:

GeneDx
Classification: Uncertain significance. Last evaluated: 2018-01-17. Review status: criteria provided, single submitter. Criteria: GeneDx Variant Classification (06012015). Collection method: clinical testing. Allele origin: germline. Affected: yes.
Comment: The c.363_368delCTATGG variant has not been published as a pathogenic variant, nor has it been reported as a benign variant to our knowledge. The c.363_368delCTATGG variant is observed in 15/18,868 (0.08%) alleles from individuals of East Asian background (Lek et al., 2016). The c.363_368delCTATGG variant is results in an in-frame deletion of a Tyrosine and Glycine residue, denoted p.Tyr128_Gly129del. However, to our knowledge, in-frame deletions and duplications have not been reported in the Human Gene Mutation Database in individuals with band-like calcification with simplified gyration and polymicrogyria (BLC-PMG) (Stenson et al., 2014). Therefore, based on the currently available information, it is unclear whether this variant is a pathogenic variant or a rare benign variant.